The following is an entry in ClinVar:

ClinVar aggregate classification (germline): Benign. Review status: criteria provided, multiple submitters, no conflicts (2 of 4 stars). 2 submissions from 2 submitters: Benign (2). Last evaluated 2018-01-12.

Conditions:
SRD5A3-congenital disorder of glycosylation. Also called: CDG Iq; COLOBOMA, OCULAR, WITH ICHTHYOSIS, BRAIN MALFORMATIONS, AND ENDOCRINE ABNORMALITIES; Ocular colobomas, ichthyosis, brain malformations and endocrine abnormalities; Congenital disorder of glycosylation type 1Q; SRD5A3-CDG. Identifiers: Orphanet 324737, MedGen C4317224, MONDO:0012885, OMIM 612379.

Allele frequency attached by ClinVar (database versions not stated): gnomAD 0.03242 and 0.03469; TOPMed 0.03704; 1000 Genomes Project 0.04014; 1000 Genomes Project 30x 0.04138.

Submissions (2):

Illumina Laboratory Services, Illumina
Classification: Benign for SRD5A3-congenital disorder of glycosylation. Last evaluated: 2018-01-12. Review status: criteria provided, single submitter. Criteria: ICSL Variant Classification Criteria 13 December 2019. Collection method: clinical testing. Allele origin: germline.
Comment: This variant was observed in the ICSL laboratory as part of a predisposition screen in an ostensibly healthy population. It had not been previously curated by ICSL or reported in the Human Gene Mutation Database (HGMD: prior to June 1st, 2018), and was therefore a candidate for classification through an automated scoring system. Utilizing variant allele frequency, disease prevalence and penetrance estimates, and inheritance mode, an automated score was calculated to assess if this variant is too frequent to cause the disease. Based on the score and internal cut-off values, a variant classified as benign is not then subjected to further curation. The score for this variant resulted in a classification of benign for this disease.

Breakthrough Genomics
Classification: Benign. Review status: criteria provided, single submitter. Criteria: ACMG Guidelines, 2015. Collection method: not provided. Allele origin: germline. Inheritance: Autosomal recessive inheritance. Affected: yes.

NM_024592.5(SRD5A3):c.*1706G>A

Genes: SRD5A3-AS1 (SRD5A3 antisense RNA 1; minus strand), SRD5A3 (steroid 5 alpha-reductase 3; plus strand). Cytogenetic location: 4q12.
Variant type: single nucleotide variant.
Coding change: c.*1706G>A on transcript NM_024592.5 (MANE Select); 1706 bases downstream of the stop codon, G replaced by A.
Molecular consequence: 3 prime UTR variant.
Genome position (GRCh38, 1-based): chr4:55,371,797, G>A. VCF-style: chr4-55371797-G-A. GRCh37 (hg19) VCF-style: chr4-56237964-G-A.
Identifiers: ClinVar variation 349030 (VCV000349030.6), dbSNP rs147485112, ClinGen allele CA10618872.